The following is an entry in ClinVar:

NM_174936.4(PCSK9):c.835C>A (p.Pro279Thr)

Gene: PCSK9 (proprotein convertase subtilisin/kexin type 9; plus strand). Cytogenetic location: 1p32.3.
Variant type: single nucleotide variant.
Coding change: c.835C>A on transcript NM_174936.4 (MANE Select); coding-DNA position 835, C replaced by A.
Protein change: p.Pro279Thr; replaces proline 279 with threonine.
Molecular consequence: missense variant.
Genome position (GRCh38, 1-based): chr1:55,056,028, C>A. VCF-style: chr1-55056028-C-A. GRCh37 (hg19) VCF-style: chr1-55521701-C-A.
Other names: c.958C>A, p.Pro320Thr (NM_001407240.1); c.835C>A, p.Pro279Thr (NM_001407241.1, NM_001407244.1, NM_001407247.1); c.838C>A, p.Pro280Thr (NM_001407242.1); c.778C>A, p.Pro260Thr (NM_001407243.1); c.643C>A, p.Pro215Thr (NM_001407245.1); c.460C>A, p.Pro154Thr (NM_001407246.1); short protein forms P279T, P154T, P260T, P320T, P215T, P280T.
Identifiers: ClinVar variation 375846 (VCV000375846.20), dbSNP rs72646509, ClinGen allele CA044825.

ClinVar aggregate classification (germline): Conflicting classifications of pathogenicity. Review status: criteria provided, conflicting classifications (1 of 4 stars). 7 submissions from 7 submitters: Uncertain significance (1); Benign (2); Likely benign (4). Last evaluated 2026-01-28.

Conditions:
Hypercholesterolemia, autosomal dominant, 3 (FHCL3). Also called: Familial Hypercholesterolemia, Autosomal Dominant, 3; PCSK9-Related Familial Hypercholesterolemia, Autosomal Dominant; Familial hypercholesterolemia 3. Identifiers: MedGen C1863551, MONDO:0011369, OMIM 603776.
Familial hypercholesterolemia. Also called: Familial hypercholesterolemias; Familial hypercholesterolaemia. Identifiers: MedGen C0020445, MONDO:0005439.
Cardiovascular phenotype. Identifiers: MedGen CN230736.

Allele frequency attached by ClinVar (database versions not stated): ExAC 0.00043; 1000 Genomes Project 0.00100; 1000 Genomes Project 30x 0.00109; ESP Exome Variant Server 0.00115; gnomAD 0.00115 and 0.00122; TOPMed 0.00146.
gnomAD v4.1: 382 of 1,610,234 alleles (0.024%); highest among the groups gnomAD compares: African/African-American, 0.39%; 2 homozygotes.

Submissions (7):

Labcorp Genetics (formerly Invitae), Labcorp
Classification: Likely benign for Hypercholesterolemia, autosomal dominant, 3. Last evaluated: 2026-01-28. Review status: criteria provided, single submitter. Criteria: Invitae Variant Classification Sherloc (09022015). Collection method: clinical testing. Allele origin: germline.

Blueprint Genetics
Classification: Likely benign. Last evaluated: 2024-09-11. Review status: criteria provided, single submitter. Criteria: ACMG Guidelines, 2015. Collection method: clinical testing. Allele origin: germline.

Quest Diagnostics Nichols Institute San Juan Capistrano
Classification: Benign. Last evaluated: 2023-07-03. Review status: criteria provided, single submitter. Criteria: Quest Diagnostics criteria. Collection method: clinical testing. Allele origin: unknown.

Ambry Genetics
Classification: Likely benign for Cardiovascular phenotype. Last evaluated: 2020-03-19. Review status: criteria provided, single submitter. Criteria: Ambry Variant Classification Scheme 2023. Collection method: clinical testing. Allele origin: germline.

Color Diagnostics, LLC DBA Color Health
Classification: Likely benign for Familial hypercholesterolemias. Last evaluated: 2018-04-02. Review status: criteria provided, single submitter. Criteria: ACMG Guidelines, 2015. Collection method: clinical testing. Allele origin: germline.

Women's Health and Genetics/Laboratory Corporation of America, LabCorp
Classification: Benign. Last evaluated: 2017-05-22. Review status: criteria provided, single submitter. Criteria: LabCorp Variant Classification Summary - May 2015. Collection method: clinical testing. Allele origin: germline.
Comment: Variant summary: The PCSK9 c.835C>A (p.Pro279Thr) variant involves the alteration of a conserved nucleotide. 4/4 in silico tools predict a damaging outcome for this variant (SNPsandGO not captured due to low reliability index). This variant was found in 41/94810 control chromosomes, predominantly observed in the African subpopulation at a frequency of 0.004103 (31/7556). This frequency is about 205 times the estimated maximal expected allele frequency of a pathogenic PCSK9 variant (0.00002), suggesting this is likely a benign polymorphism found primarily in the populations of African origin. The variant has been reported in the literature as a SNP and has been observed at equal frequencies both in patients with low LDL-C and high LDL-C. Therefore, its role in the pathophysiology of Familial Hypercholesterolemia and early onset CAD is suspect. One clinical diagnostic laboratory classified this variant as uncertain significance. Taken together, due to the relatively high frequency of the variant in the control population, this variant has been classified as benign.

Centre de Génétique Moléculaire et Chromosomique, Unité de génétique de l'Obésité et des Dyslipidémies, APHP, GH Hôpitaux Universitaires Pitié-Salpêtrière / Charles-Foix
Classification: Uncertain significance for Hypercholesterolemia, autosomal dominant, 3. Last evaluated: 2016-12-16. Review status: criteria provided, single submitter. Criteria: ACMG Guidelines, 2015. Collection method: clinical testing. Allele origin: germline. Affected: yes.

Literature cited by the submitters: PubMed 25412415 (cited by Quest Diagnostics Nichols Institute San Juan Capistrano and Women's Health and Genetics/Laboratory Corporation of America, LabCorp); PubMed 24507775 (cited by 3 submitters).